The following is an entry in ClinVar:

ClinVar aggregate classification (germline): Uncertain significance. Review status: criteria provided, multiple submitters, no conflicts (2 of 4 stars). 2 submissions from 2 submitters: Uncertain significance (2). Last evaluated 2022-12-17.

Conditions:
COG5-congenital disorder of glycosylation. Also called: CONGENITAL DISORDER OF GLYCOSYLATION, TYPE IIi; CDG IIi; COG5-CDG. Identifiers: Orphanet 263487, MedGen C3150876, MONDO:0013325, OMIM 613612.

Allele frequency attached by ClinVar (database versions not stated): gnomAD exomes 0.00004 and 0.00009; gnomAD 0.00005 and 0.00006; TOPMed 0.00005; ESP Exome Variant Server 0.00008; ExAC 0.00009.
gnomAD v4.1: 70 of 1,613,842 alleles (0.0043%); highest among the groups gnomAD compares: East Asian, 0.0045%; no homozygotes.

Submissions (2):

Labcorp Genetics (formerly Invitae), Labcorp
Classification: Uncertain significance for COG5-congenital disorder of glycosylation. Last evaluated: 2022-12-17. Review status: criteria provided, single submitter. Criteria: Invitae Variant Classification Sherloc (09022015). Collection method: clinical testing. Allele origin: germline.
Comment: In summary, the available evidence is currently insufficient to determine the role of this variant in disease. Therefore, it has been classified as a Variant of Uncertain Significance. Algorithms developed to predict the effect of missense changes on protein structure and function (SIFT, PolyPhen-2, Align-GVGD) all suggest that this variant is likely to be tolerated. ClinVar contains an entry for this variant (Variation ID: 358450). This variant has not been reported in the literature in individuals affected with COG5-related conditions. This variant is present in population databases (rs34100214, gnomAD 0.2%). This sequence change replaces glutamine, which is neutral and polar, with proline, which is neutral and non-polar, at codon 850 of the COG5 protein (p.Gln850Pro).

Illumina Laboratory Services, Illumina
Classification: Uncertain significance for COG5-congenital disorder of glycosylation. Last evaluated: 2018-01-12. Review status: criteria provided, single submitter. Criteria: ICSL Variant Classification Criteria 13 December 2019. Collection method: clinical testing. Allele origin: germline.

NM_006348.5(COG5):c.2456A>C (p.Gln819Pro)

Gene: COG5 (component of oligomeric golgi complex 5; minus strand). Cytogenetic location: 7q22.3.
Variant type: single nucleotide variant.
Coding change: c.2456A>C on transcript NM_006348.5 (MANE Select); coding-DNA position 2456, A replaced by C.
Protein change: p.Gln819Pro; replaces glutamine 819 with proline.
Molecular consequence: missense variant.
Genome position (GRCh38, 1-based): chr7:107,203,550, T>G on the plus strand (A>C on the coding strand, the complement: COG5 is on the minus strand). VCF-style: chr7-107203550-T-G. GRCh37 (hg19) VCF-style: chr7-106843995-T-G.
Other names: c.2294A>C, p.Gln765Pro (NM_001379511.1); c.2282A>C, p.Gln761Pro (NM_001379512.1); c.2249A>C, p.Gln750Pro (NM_001379513.1); c.2141A>C, p.Gln714Pro (NM_001379514.1); c.1886A>C, p.Gln629Pro (NM_001379515.1); c.1742A>C, p.Gln581Pro (NM_001379516.1); c.2393A>C, p.Gln798Pro (NM_181733.4); short protein forms Q850P, Q714P, Q750P, Q798P, Q819P, Q581P, Q761P, Q765P.
Identifiers: ClinVar variation 358450 (VCV000358450.10), dbSNP rs34100214, ClinGen allele CA4430570.